The following is an entry in ClinVar:

NM_022356.4(P3H1):c.728G>C (p.Arg243Pro)

Gene: P3H1 (prolyl 3-hydroxylase 1; minus strand). Cytogenetic location: 1p34.2.
Variant type: single nucleotide variant.
Coding change: c.728G>C on transcript NM_022356.4 (MANE Select); coding-DNA position 728, G replaced by C.
Protein change: p.Arg243Pro; replaces arginine 243 with proline.
Molecular consequence: missense variant.
Genome position (GRCh38, 1-based): chr1:42,759,281, C>G on the plus strand (G>C on the coding strand, the complement: P3H1 is on the minus strand). VCF-style: chr1-42759281-C-G. GRCh37 (hg19) VCF-style: chr1-43224952-C-G.
Other names: c.728G>C, p.Arg243Pro (NM_001146289.2, NM_001243246.2); short protein forms R243P.
Identifiers: ClinVar variation 1974631 (VCV001974631.2), dbSNP rs1253028068, ClinGen allele CA339959902.

ClinVar aggregate classification (germline): Uncertain significance (1 of 4 stars; one submission).

Conditions:
Osteogenesis imperfecta type 8 (OI8). Identifiers: MedGen C1970458, MONDO:0012581, OMIM 610915.

Submission:

Labcorp Genetics (formerly Invitae), Labcorp
Classification: Uncertain significance for Osteogenesis imperfecta type 8. Last evaluated: 2022-03-16. Review status: criteria provided, single submitter. Criteria: Invitae Variant Classification Sherloc (09022015). Collection method: clinical testing. Allele origin: germline.
Comment: This sequence change replaces arginine, which is basic and polar, with proline, which is neutral and non-polar, at codon 243 of the P3H1 protein (p.Arg243Pro). This variant is present in population databases (no rsID available, gnomAD 0.003%). This variant has not been reported in the literature in individuals affected with P3H1-related conditions. Algorithms developed to predict the effect of missense changes on protein structure and function (SIFT, PolyPhen-2, Align-GVGD) all suggest that this variant is likely to be disruptive. In summary, the available evidence is currently insufficient to determine the role of this variant in disease. Therefore, it has been classified as a Variant of Uncertain Significance.